The following is an entry in ClinVar:

NM_001378454.1(ALMS1):c.11868T>C (p.His3956=)

Gene: ALMS1 (ALMS1 centrosome and basal body associated protein; plus strand). Cytogenetic location: 2p13.1.
Variant type: single nucleotide variant.
Coding change: c.11868T>C on transcript NM_001378454.1 (MANE Select); coding-DNA position 11868, T replaced by C.
Protein change: p.His3956=; no amino-acid change (histidine 3956 retained).
Molecular consequence: synonymous variant.
Genome position (GRCh38, 1-based): chr2:73,600,877, T>C. VCF-style: chr2-73600877-T-C. GRCh37 (hg19) VCF-style: chr2-73828004-T-C.
Other names: c.11871T>C, p.His3957= (NM_015120.4).
Identifiers: ClinVar variation 390825 (VCV000390825.15), dbSNP rs370489767, ClinGen allele CA1715346.

ClinVar aggregate classification (germline): Likely benign. Review status: criteria provided, multiple submitters, no conflicts (2 of 4 stars). 6 submissions from 6 submitters: Likely benign (5). 1 of the submissions does not count toward it. Last evaluated 2025-10-18.

Conditions:
Alstrom syndrome (ALMS). Identifiers: Orphanet 64, MedGen C0268425, MONDO:0008763, OMIM 203800.
Cardiovascular phenotype. Identifiers: MedGen CN230736.

Allele frequency attached by ClinVar (database versions not stated): gnomAD exomes 0.00001; ExAC 0.00002; ESP Exome Variant Server 0.00008; TOPMed 0.00008; gnomAD 0.00011 and 0.00013.
gnomAD v4.1: 34 of 1,613,384 alleles (0.0021%); highest among the groups gnomAD compares: African/African-American, 0.033%; no homozygotes.

Submissions (6):

Labcorp Genetics (formerly Invitae), Labcorp
Classification: Likely benign for Alstrom syndrome. Last evaluated: 2025-10-18. Review status: criteria provided, single submitter. Criteria: Invitae Variant Classification Sherloc (09022015). Collection method: clinical testing. Allele origin: germline.

Women's Health and Genetics/Laboratory Corporation of America, LabCorp
Classification: Likely benign. Last evaluated: 2024-11-05. Review status: criteria provided, single submitter. Criteria: LabCorp Variant Classification Summary - May 2015. Collection method: clinical testing. Allele origin: germline.

Blueprint Genetics
Classification: Likely benign. Last evaluated: 2024-07-11. Review status: criteria provided, single submitter. Criteria: ACMG Guidelines, 2015. Collection method: clinical testing. Allele origin: germline.

Ambry Genetics
Classification: Likely benign for Cardiovascular phenotype. Last evaluated: 2020-03-19. Review status: criteria provided, single submitter. Criteria: Ambry Variant Classification Scheme 2023. Collection method: clinical testing. Allele origin: germline.

GeneDx
Classification: Likely benign. Last evaluated: 2016-11-07. Review status: criteria provided, single submitter. Criteria: GeneDx Variant Classification (06012015). Collection method: clinical testing. Allele origin: germline. Affected: yes.
Comment: This variant is considered likely benign or benign based on one or more of the following criteria: it is a conservative change, it occurs at a poorly conserved position in the protein, it is predicted to be benign by multiple in silico algorithms, and/or has population frequency not consistent with disease.

Counsyl
Classification: Likely benign for Alstrom syndrome. Last evaluated: 2017-09-20. Review status: no assertion criteria provided. Collection method: clinical testing. Allele origin: unknown. Not counted in ClinVar's aggregate classification.